The following is an entry in ClinVar:

NM_001429.4(EP300):c.7145T>C (p.Met2382Thr)

Gene: EP300 (EP300 lysine acetyltransferase; plus strand). Cytogenetic location: 22q13.2.
Variant type: single nucleotide variant.
Coding change: c.7145T>C on transcript NM_001429.4 (MANE Select); coding-DNA position 7145, T replaced by C.
Protein change: p.Met2382Thr; replaces methionine 2382 with threonine.
Molecular consequence: missense variant.
Genome position (GRCh38, 1-based): chr22:41,178,856, T>C. VCF-style: chr22-41178856-T-C. GRCh37 (hg19) VCF-style: chr22-41574860-T-C.
Other names: c.7067T>C, p.Met2356Thr (NM_001362843.2); short protein forms M2356T, M2382T.
Identifiers: ClinVar variation 4870509 (VCV004870509.1).

ClinVar aggregate classification (germline): Uncertain significance (1 of 4 stars; one submission).

Conditions:
Inborn genetic diseases. Identifiers: MedGen C0950123, MeSH D030342.

gnomAD v4.1: 4 of 1,614,202 alleles (0.00025%); highest among the groups gnomAD compares: African/African-American, 0.004%; no homozygotes.

Submission:

Ambry Genetics
Classification: Uncertain significance for Inborn genetic diseases. Last evaluated: 2026-05-20. Review status: criteria provided, single submitter. Criteria: Ambry Variant Classification Scheme 2023. Collection method: clinical testing. Allele origin: germline.
Comment: The c.7145T>C (p.M2382T) alteration is located in exon 31 (coding exon 31) of the EP300 gene. This alteration results from a T to C substitution at nucleotide position 7145, causing the methionine (M) at amino acid position 2382 to be replaced by a threonine (T). Based on data from gnomAD, the C allele has an overall frequency of 0.002% (4/251438) total alleles studied. The highest observed frequency was 0.019% (3/16250) of African alleles. Based on insufficient or conflicting evidence, the clinical significance of this alteration remains unclear.